The following is an entry in ClinVar:

NM_000268.4(NF2):c.1439C>T (p.Thr480Met)

Gene: NF2 (NF2, moesin-ezrin-radixin like (MERLIN) tumor suppressor; plus strand). Cytogenetic location: 22q12.2.
Variant type: single nucleotide variant.
Coding change: c.1439C>T on transcript NM_000268.4 (MANE Select); coding-DNA position 1439, C replaced by T.
Protein change: p.Thr480Met; replaces threonine 480 with methionine.
Molecular consequence: missense variant. On other transcripts: non-coding transcript variant (1), intron variant (1).
Genome position (GRCh38, 1-based): chr22:29,674,934, C>T. VCF-style: chr22-29674934-C-T. GRCh37 (hg19) VCF-style: chr22-30070923-C-T.
Other names: c.1439C>T, p.Thr480Met (NM_016418.5, NM_181825.3, NM_181832.3); c.1313C>T, p.Thr438Met (NM_181828.3); c.1316C>T, p.Thr439Met (NM_181829.3); c.1190C>T, p.Thr397Met (NM_181830.3, NM_181831.3); c.448-19818C>T (NM_181833.3); short protein forms T480M, T397M, T438M, T439M.
Identifiers: ClinVar variation 341073 (VCV000341073.30), dbSNP rs145666157, ClinGen allele CA031370.

ClinVar aggregate classification (germline): Conflicting classifications of pathogenicity. Review status: criteria provided, conflicting classifications (1 of 4 stars). 9 submissions from 9 submitters: Uncertain significance (2); Benign (2); Likely benign (5). Last evaluated 2026-03-25.

Conditions:
Neurofibromatosis, type 2 (SWNV). Also called: BILATERAL ACOUSTIC NEUROFIBROMATOSIS; NF2-Related Schwannomatosis; SCHWANNOMATOSIS, VESTIBULAR. Identifiers: Orphanet 637, MedGen C0027832, MONDO:0007039, OMIM 101000. Disease mechanism: loss of function.
Hereditary cancer-predisposing syndrome. Also called: Neoplastic Syndromes, Hereditary; Tumor predisposition; Hereditary Cancer Syndrome; Hereditary neoplastic syndrome. Identifiers: Orphanet 140162, MedGen C0027672, MeSH D009386, MONDO:0015356.

Allele frequency attached by ClinVar (database versions not stated): TOPMed 0.00007; gnomAD exomes 0.00011; gnomAD 0.00013; 1000 Genomes Project 30x 0.00031; 1000 Genomes Project 0.00040; ExAC 0.00043.
gnomAD v4.1: 191 of 1,565,200 alleles (0.012%); highest among the groups gnomAD compares: East Asian, 0.3%; 1 homozygote.

Submissions (9):

Dasa
Classification: Uncertain significance. Last evaluated: 2026-03-25. Review status: criteria provided, single submitter. Criteria: DASA Assertion Criteria. Collection method: clinical testing. Allele origin: germline.
Comment: NM_000268.4(NF2):c.1439C>T (p.Thr480Met) is a missense variant that results in the substitution of threonine with methionine. This classification is supported by population frequency inconsistent with a disease-causing role. The currently available literature and clinical evidence are not sufficient to establish a definitive association between this variant and the reported condition. Therefore, this variant is classified as a variant of uncertain significance.

Labcorp Genetics (formerly Invitae), Labcorp
Classification: Benign for Neurofibromatosis, type 2. Last evaluated: 2026-01-31. Review status: criteria provided, single submitter. Criteria: Invitae Variant Classification Sherloc (09022015). Collection method: clinical testing. Allele origin: germline.

Blueprint Genetics
Classification: Likely benign. Last evaluated: 2024-09-05. Review status: criteria provided, single submitter. Criteria: ACMG Guidelines, 2015. Collection method: clinical testing. Allele origin: germline.

Color Diagnostics, LLC DBA Color Health
Classification: Likely benign for Neurofibromatosis, type 2. Last evaluated: 2022-03-09. Review status: criteria provided, single submitter. Criteria: ACMG Guidelines, 2015. Collection method: clinical testing. Allele origin: germline.

Genome-Nilou Lab
Classification: Likely benign for Neurofibromatosis, type 2. Last evaluated: 2021-11-07. Review status: criteria provided, single submitter. Criteria: ACMG Guidelines, 2015. Collection method: clinical testing. Allele origin: germline. Affected: no.

Sema4
Classification: Benign for Hereditary cancer-predisposing syndrome. Last evaluated: 2021-06-14. Review status: criteria provided, single submitter. Criteria: Sema4 Curation Guidelines. Collection method: curation. Allele origin: germline.

Ambry Genetics
Classification: Likely benign for Hereditary cancer-predisposing syndrome. Last evaluated: 2020-09-24. Review status: criteria provided, single submitter. Criteria: Ambry Variant Classification Scheme 2023. Collection method: clinical testing. Allele origin: germline.

Baylor Genetics
Classification: Uncertain significance for Neurofibromatosis, type 2. Last evaluated: 2019-07-05. Review status: criteria provided, single submitter. Criteria: ACMG Guidelines, 2015. Collection method: clinical testing. Allele origin: unknown. Affected: yes. Study: CSER-TexasKidsCanSeq.
Comment: This variant was determined to be of uncertain significance according to ACMG Guidelines, 2015 [PMID:25741868].

Illumina Laboratory Services, Illumina
Classification: Likely benign for Neurofibromatosis, type 2. Last evaluated: 2017-04-27. Review status: criteria provided, single submitter. Criteria: ICSL Variant Classification Criteria 13 December 2019. Collection method: clinical testing. Allele origin: germline.
Comment: This variant was observed as part of a predisposition screen in an ostensibly healthy population. A literature search was performed for the gene, cDNA change, and amino acid change (where applicable). Publications were found based on this search. The evidence from the literature, in combination with allele frequency data from public databases where available, was sufficient to determine this variant is unlikely to cause disease. Therefore, this variant is classified as likely benign.

Literature cited by the submitters: PubMed 16983642 (cited by Ambry Genetics); PubMed 20553997 (cited by Illumina Laboratory Services, Illumina).